The following is an entry in ClinVar:

NM_001003694.2(BRPF1):c.1672C>T (p.Arg558Cys)

Gene: BRPF1 (bromodomain and PHD finger containing 1; plus strand). Cytogenetic location: 3p25.3.
Variant type: single nucleotide variant.
Coding change: c.1672C>T on transcript NM_001003694.2 (MANE Select); coding-DNA position 1672, C replaced by T.
Protein change: p.Arg558Cys; replaces arginine 558 with cysteine.
Molecular consequence: missense variant. On other transcripts: non-coding transcript variant (1).
Genome position (GRCh38, 1-based): chr3:9,740,891, C>T. VCF-style: chr3-9740891-C-T. GRCh37 (hg19) VCF-style: chr3-9782575-C-T.
Other names: c.1672C>T, p.Arg558Cys (NM_001319049.2, NM_001319050.2, NM_001410704.1 and 1 more transcripts); short protein forms R558C.
Identifiers: ClinVar variation 2576675 (VCV002576675.2), dbSNP rs769439953, ClinGen allele CA2241899.

ClinVar aggregate classification (germline): Uncertain significance (1 of 4 stars; one submission).

Allele frequency attached by ClinVar (database versions not stated): ExAC 0.00001.
gnomAD v4.1: 3 of 1,613,874 alleles (0.00019%); highest among the groups gnomAD compares: Non-Finnish European, 0.00025%; no homozygotes.

Submission:

GeneDx
Classification: Uncertain significance. Last evaluated: 2026-01-27. Review status: criteria provided, single submitter. Criteria: GeneDx Variant Classification Process June 2021. Collection method: clinical testing. Allele origin: germline.
Comment: Reported in the heterozygous state in an individual with a neurodevelopmental disorder; however, detailed clinical information was not provided (PMID: 33004838); In silico analysis supports that this missense variant has a deleterious effect on protein structure/function; This variant is associated with the following publications: (PMID: 33004838)